The following is an entry in ClinVar:

NM_013266.4(CTNNA3):c.1853A>G (p.His618Arg)

Gene: CTNNA3 (catenin alpha 3; minus strand). Cytogenetic location: 10q21.3.
Variant type: single nucleotide variant.
Coding change: c.1853A>G on transcript NM_013266.4 (MANE Select); coding-DNA position 1853, A replaced by G.
Protein change: p.His618Arg; replaces histidine 618 with arginine.
Molecular consequence: missense variant.
Genome position (GRCh38, 1-based): chr10:66,280,501, T>C on the plus strand (A>G on the coding strand, the complement: CTNNA3 is on the minus strand). VCF-style: chr10-66280501-T-C. GRCh37 (hg19) VCF-style: chr10-68040259-T-C.
Other names: c.1853A>G, p.His618Arg (NM_001127384.3); short protein forms H618R.
Identifiers: ClinVar variation 1010241 (VCV001010241.10), dbSNP rs184992188, ClinGen allele CA5519801.

ClinVar aggregate classification (germline): Uncertain significance. Review status: criteria provided, multiple submitters, no conflicts (2 of 4 stars). 2 submissions from 2 submitters: Uncertain significance (2). Last evaluated 2025-02-10.

Conditions:
Arrhythmogenic right ventricular dysplasia 13. Also called: Arrhythmogenic right ventricular dysplasia, familial, 13; ARRHYTHMOGENIC RIGHT VENTRICULAR CARDIOMYOPATHY 13. Identifiers: MedGen C3810138, MONDO:0000908, OMIM 615616.

Allele frequency attached by ClinVar (database versions not stated): TOPMed 0.00001; ExAC 0.00002; gnomAD exomes 0.00002; 1000 Genomes Project 30x 0.00016; 1000 Genomes Project 0.00020.
gnomAD v4.1: 11 of 1,608,254 alleles (0.00068%); highest among the groups gnomAD compares: East Asian, 0.013%; no homozygotes.

Submissions (2):

Women's Health and Genetics/Laboratory Corporation of America, LabCorp
Classification: Uncertain significance. Last evaluated: 2025-02-10. Review status: criteria provided, single submitter. Criteria: LabCorp Variant Classification Summary - May 2015. Collection method: clinical testing. Allele origin: germline.
Comment: Variant summary: CTNNA3 c.1853A>G (p.His618Arg) results in a non-conservative amino acid change located in the alpha-catenin/vinculin-like domain (IPR036723) of the encoded protein sequence. Three of five in-silico tools predict a damaging effect of the variant on protein function. The variant allele was found at a frequency of 1.6e-05 in 245626 control chromosomes. The available data on variant occurrences in the general population are insufficient to allow any conclusion about variant significance. This report does not provide unequivocal conclusions about association of the variant with Arrhythmogenic Right Ventricular Dysplasia/Cardiomyopathy. To our knowledge, no experimental evidence demonstrating an impact on protein function has been reported. The following publication has been ascertained in the context of this evaluation (PMID: 28202948). ClinVar contains an entry for this variant (Variation ID: 1010241). Based on the evidence outlined above, the variant was classified as uncertain significance.

Labcorp Genetics (formerly Invitae), Labcorp
Classification: Uncertain significance for Arrhythmogenic right ventricular dysplasia 13. Last evaluated: 2020-01-15. Review status: criteria provided, single submitter. Criteria: Invitae Variant Classification Sherloc (09022015). Collection method: clinical testing. Allele origin: germline.
Comment: In summary, the available evidence is currently insufficient to determine the role of this variant in disease. Therefore, it has been classified as a Variant of Uncertain Significance. Algorithms developed to predict the effect of missense changes on protein structure and function are either unavailable or do not agree on the potential impact of this missense change (SIFT: "Tolerated"; PolyPhen-2: "Not Available"; Align-GVGD: "Class C0"). This sequence change replaces histidine with arginine at codon 618 of the CTNNA3 protein (p.His618Arg). The histidine residue is moderately conserved and there is a small physicochemical difference between histidine and arginine. This variant is present in population databases (rs184992188, ExAC 0.01%). This variant has not been reported in the literature in individuals with CTNNA3-related conditions.

Literature cited by the submitters: PubMed 28202948 (cited by Women's Health and Genetics/Laboratory Corporation of America, LabCorp).